The following is an entry in ClinVar:

ClinVar aggregate classification (germline): Uncertain significance. Review status: criteria provided, multiple submitters, no conflicts (2 of 4 stars). 2 submissions from 2 submitters: Uncertain significance (2). Last evaluated 2025-07-08.

Conditions:
Hereditary cancer-predisposing syndrome. Also called: Neoplastic Syndromes, Hereditary; Hereditary Cancer Syndrome; Tumor predisposition; Hereditary neoplastic syndrome. Identifiers: Orphanet 140162, MedGen C0027672, MeSH D009386, MONDO:0015356.
Retinoblastoma (RB1). Also called: RETINOBLASTOMA, SOMATIC. Identifiers: Orphanet 790, MedGen C0035335, MeSH D012175, MONDO:0008380, OMIM 180200, HP:0009919. Disease mechanism: loss of function. Inheritance: Both sporadic and heritable forms are tested..

Submissions (2):

Ambry Genetics
Classification: Uncertain significance for Hereditary cancer-predisposing syndrome. Last evaluated: 2025-07-08. Review status: criteria provided, single submitter. Criteria: Ambry Variant Classification Scheme 2023. Collection method: clinical testing. Allele origin: germline.
Comment: The p.L42M variant (also known as c.124C>A), located in coding exon 1 of the RB1 gene, results from a C to A substitution at nucleotide position 124. The leucine at codon 42 is replaced by methionine, an amino acid with highly similar properties. This amino acid position is highly conserved in available vertebrate species. In addition, this alteration is predicted to be tolerated by in silico analysis. Based on the available evidence, the clinical significance of this variant remains unclear.

Labcorp Genetics (formerly Invitae), Labcorp
Classification: Uncertain significance for Retinoblastoma. Last evaluated: 2019-05-09. Review status: criteria provided, single submitter. Criteria: Invitae Variant Classification Sherloc (09022015). Collection method: clinical testing. Allele origin: germline.
Comment: In summary, the available evidence is currently insufficient to determine the role of this variant in disease. Therefore, it has been classified as a Variant of Uncertain Significance. Algorithms developed to predict the effect of missense changes on protein structure and function (SIFT, PolyPhen-2, Align-GVGD) all suggest that this variant is likely to be tolerated, but these predictions have not been confirmed by published functional studies and their clinical significance is uncertain. This variant has not been reported in the literature in individuals with RB1-related conditions. The frequency data for this variant in the population databases is considered unreliable, as metrics indicate insufficient coverage at this position in the ExAC database. This sequence change replaces leucine with methionine at codon 42 of the RB1 protein (p.Leu42Met). The leucine residue is moderately conserved and there is a small physicochemical difference between leucine and methionine.

NM_000321.3(RB1):c.124C>A (p.Leu42Met)

Gene: RB1 (RB transcriptional corepressor 1; plus strand). Cytogenetic location: 13q14.2.
Variant type: single nucleotide variant.
Coding change: c.124C>A on transcript NM_000321.3 (MANE Select); coding-DNA position 124, C replaced by A.
Protein change: p.Leu42Met; replaces leucine 42 with methionine.
Molecular consequence: missense variant.
Genome position (GRCh38, 1-based): chr13:48,304,036, C>A. VCF-style: chr13-48304036-C-A. GRCh37 (hg19) VCF-style: chr13-48878172-C-A.
Other names: short protein forms L42M.
Identifiers: ClinVar variation 853974 (VCV000853974.13), dbSNP rs1312883856, ClinGen allele CA388250379.